The following is an entry in ClinVar:

ClinVar aggregate classification (germline): Pathogenic (1 of 4 stars; one submission).

Submission:

Labcorp Genetics (formerly Invitae), Labcorp
Classification: Pathogenic. Last evaluated: 2022-09-14. Review status: criteria provided, single submitter. Criteria: Invitae Variant Classification Sherloc (09022015). Collection method: clinical testing. Allele origin: germline.
Comment: This sequence change creates a premature translational stop signal (p.Gly991Glufs*5) in the DUOX2 gene. It is expected to result in an absent or disrupted protein product. Loss-of-function variants in DUOX2 are known to be pathogenic (PMID: 12110737, 18765513, 21565790, 24423310, 24735383). This variant is not present in population databases (gnomAD no frequency). This variant has not been reported in the literature in individuals affected with DUOX2-related conditions. For these reasons, this variant has been classified as Pathogenic.

Literature cited by the submitters: PubMed 12110737; PubMed 18765513; PubMed 21565790; PubMed 24423310; PubMed 24735383.

NM_001363711.2(DUOX2):c.2972del (p.Gly991fs)

Gene: DUOX2 (dual oxidase 2; minus strand). Cytogenetic location: 15q21.1.
Variant type: Deletion.
Coding change: c.2972del on transcript NM_001363711.2 (MANE Select); coding-DNA position 2972, one base deleted (G; older notation c.2972delG).
Protein change: p.Gly991fs; shifts the reading frame from glycine 991.
Molecular consequence: frameshift variant.
Genome position (GRCh38, 1-based): chr15:45,100,788, C deleted on the plus strand (G on the coding strand, the reverse complement: DUOX2 is on the minus strand); the first of 3 consecutive C bases (chr15:45,100,788-45,100,790); deleting any one gives the same sequence. VCF-style (leftmost placement, unchanged base first): chr15-45100787-TC-T. GRCh37 (hg19) VCF-style: chr15-45392985-TC-T.
Other names: c.2972del, p.Gly991fs (NM_014080.5); short protein forms G991fs.
Identifiers: ClinVar variation 2030421 (VCV002030421.4), dbSNP rs2504753330, ClinGen allele CA912980557.